The following is an entry in ClinVar:

NC_000015.9:g.(?_63335029)_(63358098_?)del

Gene: TPM1 (tropomyosin 1; plus strand). Cytogenetic location: 15q22.2.
Variant type: Deletion.
Identifiers: ClinVar variation 2423476 (VCV002423476.3).

ClinVar aggregate classification (germline): Uncertain significance (1 of 4 stars; one submission).

Conditions:
Hypertrophic cardiomyopathy. Also called: HYPERTROPHIC MYOCARDIOPATHY. Identifiers: Orphanet 217569, MedGen C0007194, MeSH D002312, MONDO:0005045, HP:0001639.

Submission:

Labcorp Genetics (formerly Invitae), Labcorp
Classification: Uncertain significance for Hypertrophic cardiomyopathy. Last evaluated: 2021-11-09. Review status: criteria provided, single submitter. Criteria: Invitae Variant Classification Sherloc (09022015). Collection method: clinical testing. Allele origin: germline.
Comment: A gross deletion of the genomic region encompassing the full coding sequence of the TPM1 gene has been identified. The current clinical and genetic evidence is not sufficient to establish whether loss-of-function variants in TPM1 cause disease. The boundaries of this event are unknown as they extend beyond the assayed region for this gene and therefore may encompass additional genes. This variant has not been reported in the literature in individuals affected with TPM1-related conditions. In summary, the available evidence is currently insufficient to determine the role of this variant in disease. Therefore, it has been classified as a Variant of Uncertain Significance.